The following is an entry in ClinVar:

ClinVar aggregate classification (germline): Likely benign (1 of 4 stars; one submission).

Allele frequency attached by ClinVar (database versions not stated): gnomAD 0.00085; 1000 Genomes Project 0.00100; ESP Exome Variant Server 0.00123; 1000 Genomes Project 30x 0.00141; TOPMed 0.00143; ExAC 0.00161.
gnomAD v4.1: 1,480 of 1,594,094 alleles (0.093%); highest among the groups gnomAD compares: South Asian, 0.5%; 22 homozygotes.

Submission:

CeGaT Center for Human Genetics Tuebingen
Classification: Likely benign. Last evaluated: 2024-02-01. Review status: criteria provided, single submitter. Criteria: CeGaT Center For Human Genetics Tuebingen Variant Classification Criteria Version 2. Collection method: clinical testing. Allele origin: germline. Affected: yes. Observed: 1 variant allele.
Comment: C8orf34: BP4, BS2

NM_052958.4(C8orf34):c.1328-3T>C

Gene: C8orf34 (chromosome 8 open reading frame 34; plus strand). Cytogenetic location: 8q13.2.
Variant type: single nucleotide variant.
Coding change: c.1328-3T>C on transcript NM_052958.4 (MANE Select); 3 bases into the intron before coding-DNA position 1328, T replaced by C.
Molecular consequence: intron variant.
Genome position (GRCh38, 1-based): chr8:68,721,358, T>C. VCF-style: chr8-68721358-T-C. GRCh37 (hg19) VCF-style: chr8-69633593-T-C.
Other names: c.1328-3T>C (NM_001349477.1); c.1319-3T>C (NM_001349476.1); c.1199-3T>C (NM_001349478.1, NM_001349479.1).
Identifiers: ClinVar variation 3024951 (VCV003024951.22), dbSNP rs199668114, ClinGen allele CA4775290.